The following is an entry in ClinVar:

NM_001009999.3(KDM1A):c.2537C>T (p.Ala846Val)

Gene: KDM1A (lysine demethylase 1A; plus strand). Cytogenetic location: 1p36.12.
Variant type: single nucleotide variant.
Coding change: c.2537C>T on transcript NM_001009999.3 (MANE Select); coding-DNA position 2537, C replaced by T.
Protein change: p.Ala846Val; replaces alanine 846 with valine.
Molecular consequence: missense variant. On other transcripts: 3 prime UTR variant (1).
Genome position (GRCh38, 1-based): chr1:23,083,270, C>T. VCF-style: chr1-23083270-C-T. GRCh37 (hg19) VCF-style: chr1-23409763-C-T.
Other names: c.2483C>T, p.Ala828Val (NM_001363654.2); c.2543C>T, p.Ala848Val (NM_001410762.1); c.*785C>T (NM_001410763.1); c.2465C>T, p.Ala822Val (NM_015013.4); short protein forms A822V, A848V, A846V, A828V.
Identifiers: ClinVar variation 4091026 (VCV004091026.1).

ClinVar aggregate classification (germline): Uncertain significance (1 of 4 stars; one submission).

Conditions:
Inborn genetic diseases. Identifiers: MedGen C0950123, MeSH D030342.

gnomAD v4.1: 1 of 1,613,884 alleles (0.000062%); highest among the groups gnomAD compares: Non-Finnish European, 0.000085%; no homozygotes.

Submission:

Ambry Genetics
Classification: Uncertain significance for Inborn genetic diseases. Last evaluated: 2025-06-20. Review status: criteria provided, single submitter. Criteria: Ambry Variant Classification Scheme 2023. Collection method: clinical testing. Allele origin: germline.
Comment: The p.A846V variant (also known as c.2537C>T), located in coding exon 21 of the KDM1A gene, results from a C to T substitution at nucleotide position 2537. The alanine at codon 846 is replaced by valine, an amino acid with similar properties. This amino acid position is conserved. In addition, this alteration is predicted to be deleterious by in silico analysis. Based on the available evidence, the clinical significance of this variant remains unclear.